The following is an entry in ClinVar:

NM_017654.4(SAMD9):c.3851T>A (p.Ile1284Asn)

Gene: SAMD9 (sterile alpha motif domain containing 9; minus strand). Cytogenetic location: 7q21.2.
Variant type: single nucleotide variant.
Coding change: c.3851T>A on transcript NM_017654.4 (MANE Select); coding-DNA position 3851, T replaced by A.
Protein change: p.Ile1284Asn; replaces isoleucine 1284 with asparagine.
Molecular consequence: missense variant.
Genome position (GRCh38, 1-based): chr7:93,102,247, A>T on the plus strand (T>A on the coding strand, the complement: SAMD9 is on the minus strand). VCF-style: chr7-93102247-A-T. GRCh37 (hg19) VCF-style: chr7-92731560-A-T.
Other names: c.3851T>A, p.Ile1284Asn (NM_001193307.2); short protein forms I1284N.
Identifiers: ClinVar variation 5028748 (VCV005028748.1).

ClinVar aggregate classification (germline): Uncertain significance (1 of 4 stars; one submission).

Conditions:
Inborn genetic diseases. Identifiers: MedGen C0950123, MeSH D030342.

Submission:

Ambry Genetics
Classification: Uncertain significance for Inborn genetic diseases. Last evaluated: 2026-07-03. Review status: criteria provided, single submitter. Criteria: Ambry Variant Classification Scheme 2023. Collection method: clinical testing. Allele origin: germline.
Comment: The p.I1284N variant (also known as c.3851T>A), located in coding exon 1 of the SAMD9 gene, results from a T to A substitution at nucleotide position 3851. The isoleucine at codon 1284 is replaced by asparagine, an amino acid with dissimilar properties. This amino acid position is conserved. In addition, this alteration is predicted to be tolerated by in silico analysis. Based on the available evidence, the clinical significance of this variant remains unclear.